The following is an entry in ClinVar:

ClinVar aggregate classification (germline): Uncertain significance. Review status: criteria provided, multiple submitters, no conflicts (2 of 4 stars). 2 submissions from 2 submitters: Uncertain significance (2). Last evaluated 2024-10-24.

Conditions:
Inborn genetic diseases. Identifiers: MedGen C0950123, MeSH D030342.

Submissions (2):

Ambry Genetics
Classification: Uncertain significance for Inborn genetic diseases. Last evaluated: 2024-10-24. Review status: criteria provided, single submitter. Criteria: Ambry Variant Classification Scheme 2023. Collection method: clinical testing. Allele origin: germline.

GeneDx
Classification: Uncertain significance. Last evaluated: 2021-01-14. Review status: criteria provided, single submitter. Criteria: GeneDx Variant Classification Process June 2021. Collection method: clinical testing. Allele origin: germline. Affected: yes.
Comment: Not observed in large population cohorts (Lek et al., 2016); In silico analysis supports that this missense variant has a deleterious effect on protein structure/function; Has not been previously published as pathogenic or benign to our knowledge

NM_001394062.1(MACF1):c.15457G>C (p.Asp5153His)

Gene: MACF1 (microtubule actin crosslinking factor 1; plus strand). Cytogenetic location: 1p34.3.
Variant type: single nucleotide variant.
Coding change: c.15457G>C on transcript NM_001394062.1 (MANE Select); coding-DNA position 15457, G replaced by C.
Protein change: p.Asp5153His; replaces aspartic acid 5153 with histidine.
Molecular consequence: missense variant.
Genome position (GRCh38, 1-based): chr1:39,388,299, G>C. VCF-style: chr1-39388299-G-C. GRCh37 (hg19) VCF-style: chr1-39853971-G-C.
Other names: c.9271G>C, p.Asp3091His (NM_012090.5); c.9271G>C (NM_012090.4); short protein forms D3091H, D5153H.
Identifiers: ClinVar variation 1314055 (VCV001314055.3), dbSNP rs1487476915, ClinGen allele CA339745648.